The following is an entry in ClinVar:

ClinVar aggregate classification (germline): Pathogenic (1 of 4 stars; one submission).

Allele frequency attached by ClinVar (database versions not stated): gnomAD exomes 0.00002.
gnomAD v4.1: 13 of 1,614,122 alleles (0.00081%); highest among the groups gnomAD compares: Non-Finnish European, 0.0011%; no homozygotes.

Submission:

Labcorp Genetics (formerly Invitae), Labcorp
Classification: Pathogenic. Last evaluated: 2023-06-19. Review status: criteria provided, single submitter. Criteria: Invitae Variant Classification Sherloc (09022015). Collection method: clinical testing. Allele origin: germline.
Comment: This sequence change creates a premature translational stop signal (p.Arg515*) in the CAD gene. It is expected to result in an absent or disrupted protein product. Loss-of-function variants in CAD are known to be pathogenic (PMID: 28007989, 32117025, 32820246, 33497533). This variant is not present in population databases (gnomAD no frequency). This variant has not been reported in the literature in individuals affected with CAD-related conditions. For these reasons, this variant has been classified as Pathogenic.

Literature cited by the submitters: PubMed 28007989; PubMed 32117025; PubMed 32820246; PubMed 33497533.

NM_004341.5(CAD):c.1543C>T (p.Arg515Ter)

Gene: CAD (carbamoyl-phosphate synthetase 2, aspartate transcarbamylase, and dihydroorotase; plus strand). Cytogenetic location: 2p23.3.
Variant type: single nucleotide variant.
Coding change: c.1543C>T on transcript NM_004341.5 (MANE Select); coding-DNA position 1543, C replaced by T.
Protein change: p.Arg515Ter; replaces arginine 515 with a stop codon.
Molecular consequence: nonsense.
Genome position (GRCh38, 1-based): chr2:27,225,166, C>T. VCF-style: chr2-27225166-C-T. GRCh37 (hg19) VCF-style: chr2-27448034-C-T.
Other names: c.1543C>T, p.Arg515Ter (NM_001306079.2); short protein forms R515*.
Identifiers: ClinVar variation 2798008 (VCV002798008.3), dbSNP rs982518841, ClinGen allele CA346205062.